The following is an entry in ClinVar:

ClinVar aggregate classification (germline): Likely benign. Review status: criteria provided, single submitter (1 of 4 stars). 2 submissions from 2 submitters: Likely benign (1). 1 of the submissions does not count toward it. Last evaluated 2026-07-01.

Conditions:
SMARCC1-related disorder. Also called: SMARCC1-related condition.

Allele frequency attached by ClinVar (database versions not stated): ESP Exome Variant Server 0.00062; TOPMed 0.00065; gnomAD 0.00076; ExAC 0.00077.

Submissions (2):

CeGaT Center for Human Genetics Tuebingen
Classification: Likely benign. Last evaluated: 2026-07-01. Review status: criteria provided, single submitter. Criteria: CeGaT Center For Human Genetics Tuebingen Variant Classification Criteria Version 2. Collection method: clinical testing. Allele origin: germline. Affected: yes. Observed: 2 variant alleles.
Comment: SMARCC1: BP4, BS1

PreventionGenetics, part of Exact Sciences
Classification: Likely benign for SMARCC1-related condition. Last evaluated: 2021-06-23. Review status: no assertion criteria provided. Collection method: clinical testing. Allele origin: germline. Not counted in ClinVar's aggregate classification.
Comment: This variant is classified as likely benign based on ACMG/AMP sequence variant interpretation guidelines (Richards et al. 2015 PMID: 25741868, with internal and published modifications).

NM_003074.4(SMARCC1):c.1747C>T (p.Leu583=)

Gene: SMARCC1 (SWI/SNF related BAF chromatin remodeling complex subunit C1; minus strand). Cytogenetic location: 3p21.31.
Variant type: single nucleotide variant.
Coding change: c.1747C>T on transcript NM_003074.4 (MANE Select); coding-DNA position 1747, C replaced by T.
Protein change: p.Leu583=; no amino-acid change (leucine 583 retained).
Molecular consequence: synonymous variant.
Genome position (GRCh38, 1-based): chr3:47,675,567, G>A on the plus strand (C>T on the coding strand, the complement: SMARCC1 is on the minus strand). VCF-style: chr3-47675567-G-A. GRCh37 (hg19) VCF-style: chr3-47717057-G-A.
Identifiers: ClinVar variation 3055202 (VCV003055202.9), dbSNP rs145004833, ClinGen allele CA2369000.
Genomic context (GRCh38, chr3:47,675,567, plus strand): 5'-TACGGAGACCAAAGTTCTGCAAATCAACTGGTTTTTCCTTGTTTTTCTCAGGAAAATTTA[G>A]CATCTGTTGAGCAGCAGGAACCTGAGTCAAATAAATGATAAATGGCTGAGTTAGCCTCTT-3'
Protein context (NP_003065.3, residues 573-593): SPQVPAAQQM[Leu583=]NFPEKNKEKP